The following is an entry in ClinVar:

NM_170606.3(KMT2C):c.736A>G (p.Thr246Ala)

Gene: KMT2C (lysine methyltransferase 2C; minus strand). Cytogenetic location: 7q36.1.
Variant type: single nucleotide variant.
Coding change: c.736A>G on transcript NM_170606.3 (MANE Select); coding-DNA position 736, A replaced by G.
Protein change: p.Thr246Ala; replaces threonine 246 with alanine.
Molecular consequence: missense variant.
Genome position (GRCh38, 1-based): chr7:152,311,801, T>C on the plus strand (A>G on the coding strand, the complement: KMT2C is on the minus strand). VCF-style: chr7-152311801-T-C. GRCh37 (hg19) VCF-style: chr7-152008886-T-C.
Other names: short protein forms T246A.
Identifiers: ClinVar variation 4848301 (VCV004848301.1).

ClinVar aggregate classification (germline): Uncertain significance (1 of 4 stars; one submission).

gnomAD v4.1: 25 of 1,606,336 alleles (0.0016%); highest among the groups gnomAD compares: Non-Finnish European, 0.002%; no homozygotes.

Submission:

Women's Health and Genetics/Laboratory Corporation of America, LabCorp
Classification: Uncertain significance. Last evaluated: 2026-02-17. Review status: criteria provided, single submitter. Criteria: LabCorp Variant Classification Summary - May 2015. Collection method: clinical testing. Allele origin: germline.
Comment: Variant summary: KMT2C c.736A>G (p.Thr246Ala) results in a non-conservative amino acid change in the encoded protein sequence. Algorithms developed to predict the effect of missense changes on protein structure and function are either unavailable or do not agree on the potential impact of this missense change. The variant allele was found at a frequency of 2e-05 in 249638 control chromosomes. The available data on variant occurrences in the general population are insufficient to allow any conclusion about variant significance. To our knowledge, no occurrence of c.736A>G in individuals affected with KMT2C-related conditions and no experimental evidence demonstrating its impact on protein function have been reported. No submitters have cited clinical-significance assessments for this variant to ClinVar. Based on the evidence outlined above, the variant was classified as uncertain significance.